The following is an entry in ClinVar:

ClinVar aggregate classification (germline): Uncertain significance (1 of 4 stars; one submission).

Conditions:
Glanzmann thrombasthenia. Also called: Glanzmann's thrombasthenia; Thrombasthenia; BLEEDING DISORDER, PLATELET-TYPE, 2; THROMBASTHENIA OF GLANZMANN AND NAEGELI; PLATELET GLYCOPROTEIN IIb-IIIa DEFICIENCY. Identifiers: Orphanet 849, MedGen C0040015, MONDO:0100326.

Allele frequency attached by ClinVar (database versions not stated): ExAC 0.00001; gnomAD 0.00002; gnomAD exomes 0.00002.
gnomAD v4.1: 31 of 1,612,860 alleles (0.0019%); highest among the groups gnomAD compares: Non-Finnish European, 0.0026%; no homozygotes.

Submission:

Labcorp Genetics (formerly Invitae), Labcorp
Classification: Uncertain significance for Glanzmann thrombasthenia. Last evaluated: 2023-05-13. Review status: criteria provided, single submitter. Criteria: Invitae Variant Classification Sherloc (09022015). Collection method: clinical testing. Allele origin: germline.
Comment: In summary, the available evidence is currently insufficient to determine the role of this variant in disease. Therefore, it has been classified as a Variant of Uncertain Significance. This sequence change falls in intron 9 of the ITGA2B gene. It does not directly change the encoded amino acid sequence of the ITGA2B protein. This variant is present in population databases (rs755265076, gnomAD 0.002%). This variant has not been reported in the literature in individuals affected with ITGA2B-related conditions. Algorithms developed to predict the effect of sequence changes on RNA splicing suggest that this variant may create or strengthen a splice site.

NM_000419.5(ITGA2B):c.892-5T>A

Gene: ITGA2B (integrin subunit alpha 2b; minus strand). Cytogenetic location: 17q21.31.
Variant type: single nucleotide variant.
Coding change: c.892-5T>A on transcript NM_000419.5 (MANE Select); 5 bases into the intron before coding-DNA position 892, T replaced by A.
Molecular consequence: intron variant.
Genome position (GRCh38, 1-based): chr17:44,384,143, A>T on the plus strand (T>A on the coding strand, the complement: ITGA2B is on the minus strand). VCF-style: chr17-44384143-A-T. GRCh37 (hg19) VCF-style: chr17-42461511-A-T.
Identifiers: ClinVar variation 2729930 (VCV002729930.3), dbSNP rs755265076, ClinGen allele CA8603285.